The following is an entry in ClinVar:

ClinVar aggregate classification (germline): Uncertain significance (1 of 4 stars; one submission).

Conditions:
Gaze palsy, familial horizontal, with progressive scoliosis, 2. Also called: DEVELOPMENTAL SPLIT-BRAIN SYNDROME; GAZE PALSY, FAMILIAL HORIZONTAL, WITH PROGRESSIVE SCOLIOSIS 2, WITH IMPAIRED INTELLECTUAL DEVELOPMENT. Identifiers: MedGen C4479640, MONDO:0054602, OMIM 617542.

Submission:

Centre for Mendelian Genomics, University Medical Centre Ljubljana
Classification: Uncertain significance for Gaze palsy, familial horizontal, with progressive scoliosis, 2. Last evaluated: 2019-08-14. Review status: criteria provided, single submitter. Criteria: ACMG Guidelines, 2015. Collection method: clinical testing. Allele origin: unknown. Affected: yes.
Comment: This variant was classified as: Uncertain significance. The available evidence on this variant's pathogenicity is insufficient or conflicting. The following ACMG criteria were applied in classifying this variant: PM2.

NM_005215.4(DCC):c.769G>A (p.Ala257Thr)

Gene: DCC (DCC netrin 1 receptor; plus strand). Cytogenetic location: 18q21.2.
Variant type: single nucleotide variant.
Coding change: c.769G>A on transcript NM_005215.4 (MANE Select); coding-DNA position 769, G replaced by A.
Protein change: p.Ala257Thr; replaces alanine 257 with threonine.
Molecular consequence: missense variant.
Genome position (GRCh38, 1-based): chr18:52,923,778, G>A. VCF-style: chr18-52923778-G-A. GRCh37 (hg19) VCF-style: chr18-50450148-G-A.
Other names: short protein forms A257T.
Identifiers: ClinVar variation 930503 (VCV000930503.3), dbSNP rs2040159710, ClinGen allele CA402514223.